The following is an entry in ClinVar:

ClinVar aggregate classification (germline): Uncertain significance (1 of 4 stars; one submission).

Conditions:
Hereditary cancer-predisposing syndrome. Also called: Neoplastic Syndromes, Hereditary; Tumor predisposition; Hereditary Cancer Syndrome; Hereditary neoplastic syndrome. Identifiers: Orphanet 140162, MedGen C0027672, MeSH D009386, MONDO:0015356.

Submission:

Ambry Genetics
Classification: Uncertain significance for Hereditary cancer-predisposing syndrome. Last evaluated: 2024-06-29. Review status: criteria provided, single submitter. Criteria: Ambry Variant Classification Scheme 2023. Collection method: clinical testing. Allele origin: germline.
Comment: The p.P1941A variant (also known as c.5821C>G), located in coding exon 15 of the APC gene, results from a C to G substitution at nucleotide position 5821. The proline at codon 1941 is replaced by alanine, an amino acid with highly similar properties. This amino acid position is conserved. In addition, in silico predictors for this gene do not accurately predict pathogenicity. Based on the available evidence, the clinical significance of this variant remains unclear.

NM_000038.6(APC):c.5821C>G (p.Pro1941Ala)

Gene: APC (APC regulator of Wnt signaling pathway; plus strand). Cytogenetic location: 5q22.2.
Variant type: single nucleotide variant.
Coding change: c.5821C>G on transcript NM_000038.6 (MANE Select); coding-DNA position 5821, C replaced by G.
Protein change: p.Pro1941Ala; replaces proline 1941 with alanine.
Molecular consequence: missense variant. On other transcripts: non-coding transcript variant (2).
Genome position (GRCh38, 1-based): chr5:112,841,415, C>G. VCF-style: chr5-112841415-C-G. GRCh37 (hg19) VCF-style: chr5-112177112-C-G.
Other names: c.5518C>G, p.Pro1840Ala (NM_001407460.1, NM_001354903.2, NM_001407458.1 and 1 more transcripts); c.5434C>G, p.Pro1812Ala (NM_001407467.1, NM_001407469.1); c.4972C>G, p.Pro1658Ala (NM_001407470.1, NM_001354906.2); c.4669C>G, p.Pro1557Ala (NM_001407471.1, NM_001407472.1); c.5821C>G, p.Pro1941Ala (NM_001127510.3, NM_001354895.2, NM_001407450.1); c.5767C>G, p.Pro1923Ala (NM_001127511.3); c.5875C>G, p.Pro1959Ala (NM_001354896.2, NM_001407447.1, NM_001407448.1 and 1 more transcripts); c.5851C>G, p.Pro1951Ala (NM_001354897.2); and 11 more; short protein forms P1812A, P1858A, P1882A, P1931A, P1969A, P1781A, P1850A, P1916A.
Identifiers: ClinVar variation 3409395 (VCV003409395.1).